The following is an entry in ClinVar:

ClinVar aggregate classification (germline): Uncertain significance. Review status: criteria provided, multiple submitters, no conflicts (2 of 4 stars). 2 submissions from 2 submitters: Uncertain significance (2). Last evaluated 2023-12-01.

Allele frequency attached by ClinVar (database versions not stated): gnomAD exomes below 0.00001.
gnomAD v4.1: 1 of 1,614,096 alleles (0.000062%); highest among the groups gnomAD compares: Non-Finnish European, 0.000085%; no homozygotes.

Submissions (2):

CeGaT Center for Human Genetics Tuebingen
Classification: Uncertain significance. Last evaluated: 2023-12-01. Review status: criteria provided, single submitter. Criteria: CeGaT Center For Human Genetics Tuebingen Variant Classification Criteria Version 2. Collection method: clinical testing. Allele origin: germline. Affected: yes. Observed: 1 variant allele.
Comment: SCN3A: PM2, BP4

Labcorp Genetics (formerly Invitae), Labcorp
Classification: Uncertain significance. Last evaluated: 2023-09-30. Review status: criteria provided, single submitter. Criteria: Invitae Variant Classification Sherloc (09022015). Collection method: clinical testing. Allele origin: germline.
Comment: In summary, the available evidence is currently insufficient to determine the role of this variant in disease. Therefore, it has been classified as a Variant of Uncertain Significance. Advanced modeling of protein sequence and biophysical properties (such as structural, functional, and spatial information, amino acid conservation, physicochemical variation, residue mobility, and thermodynamic stability) performed at Invitae indicates that this missense variant is not expected to disrupt SCN3A protein function. This variant has not been reported in the literature in individuals affected with SCN3A-related conditions. This variant is not present in population databases (gnomAD no frequency). This sequence change replaces phenylalanine, which is neutral and non-polar, with valine, which is neutral and non-polar, at codon 1030 of the SCN3A protein (p.Phe1030Val).

NM_006922.4(SCN3A):c.3088T>G (p.Phe1030Val)

Gene: SCN3A (sodium voltage-gated channel alpha subunit 3; minus strand). Cytogenetic location: 2q24.3.
Variant type: single nucleotide variant.
Coding change: c.3088T>G on transcript NM_006922.4 (MANE Select); coding-DNA position 3088, T replaced by G.
Protein change: p.Phe1030Val; replaces phenylalanine 1030 with valine.
Molecular consequence: missense variant.
Genome position (GRCh38, 1-based): chr2:165,127,936, A>C on the plus strand (T>G on the coding strand, the complement: SCN3A is on the minus strand). VCF-style: chr2-165127936-A-C. GRCh37 (hg19) VCF-style: chr2-165984446-A-C.
Other names: c.2941T>G, p.Phe981Val (NM_001081676.2, NM_001081677.2); short protein forms F1030V, F981V.
Identifiers: ClinVar variation 2710258 (VCV002710258.25), dbSNP rs1687092049, ClinGen allele CA349041141.